The following is an entry in ClinVar:

NM_198428.3(BBS9):c.1285G>A (p.Asp429Asn)

Gene: BBS9 (Bardet-Biedl syndrome 9; plus strand). Cytogenetic location: 7p14.3.
Variant type: single nucleotide variant.
Coding change: c.1285G>A on transcript NM_198428.3 (MANE Select); coding-DNA position 1285, G replaced by A.
Protein change: p.Asp429Asn; replaces aspartic acid 429 with asparagine.
Molecular consequence: missense variant. On other transcripts: non-coding transcript variant (3).
Genome position (GRCh38, 1-based): chr7:33,344,590, G>A. VCF-style: chr7-33344590-G-A. GRCh37 (hg19) VCF-style: chr7-33384202-G-A.
Other names: c.1285G>A, p.Asp429Asn (NM_001033604.2, NM_001033605.2, NM_001348036.1 and 5 more transcripts); c.919G>A, p.Asp307Asn (NM_001348037.3, NM_001348044.3, NM_001348045.3 and 1 more transcripts); c.1012G>A, p.Asp338Asn (NM_001348038.3, NM_001348039.3); c.1150G>A, p.Asp384Asn (NM_001348042.3); short protein forms D307N, D338N, D384N, D429N.
Identifiers: ClinVar variation 3338773 (VCV003338773.3).

ClinVar aggregate classification (germline): Uncertain significance. Review status: criteria provided, multiple submitters, no conflicts (2 of 4 stars). 3 submissions from 3 submitters: Uncertain significance (3). Last evaluated 2025-12-08.

Conditions:
Bardet-Biedl syndrome 9 (BBS9). Identifiers: Orphanet 110, MedGen C1859567, MONDO:0014437, OMIM 615986.
BBS9-related disorder. Also called: BBS9-related condition.

gnomAD v4.1: 20 of 1,614,022 alleles (0.0012%); highest among the groups gnomAD compares: Admixed American, 0.0083%; no homozygotes.

Submissions (3):

PreventionGenetics, part of Exact Sciences
Classification: Uncertain significance for BBS9-related condition. Last evaluated: 2025-12-08. Review status: criteria provided, single submitter. Criteria: ACMG Guidelines, 2015. Collection method: clinical testing. Allele origin: germline.
Comment: The BBS9 c.1285G>A variant is predicted to result in the amino acid substitution p.Asp429Asn. This variant has been reported in individuals with autism (Table S2, Turner et al. 2019. PubMed ID: 31785789; Supplementary Data 1, Zhou et al. 2022. PubMed ID: 35982159). This variant is reported in 0.0087% of alleles in individuals of Latino descent in gnomAD. At this time, the clinical significance of this variant is uncertain due to the absence of conclusive functional and genetic evidence.

Fulgent Genetics
Classification: Uncertain significance for Bardet-Biedl syndrome 9. Last evaluated: 2024-04-01. Review status: criteria provided, single submitter. Criteria: ACMG Guidelines, 2015. Collection method: clinical testing. Allele origin: germline.

GeneDx
Classification: Uncertain significance. Last evaluated: 2023-12-26. Review status: criteria provided, single submitter. Criteria: GeneDx Variant Classification Process June 2021. Collection method: clinical testing. Allele origin: germline. Affected: yes.
Comment: In silico analysis supports that this missense variant does not alter protein structure/function; De novo variant in a patient from a large autism cohort, although a second BBS9 variant was not reported and the patient harbored de novo variants in other genes (PMID: 31785789); This variant is associated with the following publications: (PMID: 35982159, 31785789)